The following is an entry in ClinVar:

NM_030615.4(KIF25):c.138G>A (p.Val46=)

Gene: KIF25 (kinesin family member 25; plus strand). Cytogenetic location: 6q27.
Variant type: single nucleotide variant.
Coding change: c.138G>A on transcript NM_030615.4 (MANE Select); coding-DNA position 138, G replaced by A.
Protein change: p.Val46=; no amino-acid change (valine 46 retained).
Molecular consequence: synonymous variant.
Genome position (GRCh38, 1-based): chr6:168,030,818, G>A. VCF-style: chr6-168030818-G-A. GRCh37 (hg19) VCF-style: chr6-168431498-G-A.
Other names: c.138G>A, p.Val46= (NM_005355.5).
Identifiers: ClinVar variation 2657136 (VCV002657136.24), dbSNP rs34981094, ClinGen allele CA4100476.

ClinVar aggregate classification (germline): Likely benign (1 of 4 stars; one submission).

Allele frequency attached by ClinVar (database versions not stated): 1000 Genomes Project 0.00439; 1000 Genomes Project 30x 0.00453; TOPMed 0.00539; gnomAD 0.00544; ExAC 0.00613; ESP Exome Variant Server 0.00723; gnomAD exomes 0.00797.
gnomAD v4.1: 12,479 of 1,613,160 alleles (0.77%); highest among the groups gnomAD compares: Non-Finnish European, 0.85%; 77 homozygotes.

Submission:

CeGaT Center for Human Genetics Tuebingen
Classification: Likely benign. Last evaluated: 2023-02-01. Review status: criteria provided, single submitter. Criteria: CeGaT Center For Human Genetics Tuebingen Variant Classification Criteria Version 2. Collection method: clinical testing. Allele origin: germline. Affected: yes. Observed: 1 variant allele.
Comment: KIF25: BP4, BP7, BS2